The following is an entry in ClinVar:

ClinVar aggregate classification (germline): Pathogenic/Likely pathogenic. Review status: criteria provided, multiple submitters, no conflicts (2 of 4 stars). 3 submissions from 3 submitters: Pathogenic (1); Likely pathogenic (2). Last evaluated 2025-08-21.

Conditions:
Mucopolysaccharidosis, MPS-IV-A (MPS4A). Also called: Mucopolysaccharidosis type IV A; Mucopolysaccharidosis Type IVA; Morquio syndrome A, mild; MORQUIO SYNDROME A; MPS IVA; mucopolysaccharidosis type 4A. Identifiers: Orphanet 309297, Orphanet 582, MedGen C0086651, MONDO:0009659, OMIM 253000.

Submissions (3):

Labcorp Genetics (formerly Invitae), Labcorp
Classification: Pathogenic for Mucopolysaccharidosis, MPS-IV-A. Last evaluated: 2025-08-21. Review status: criteria provided, single submitter. Criteria: Invitae Variant Classification Sherloc (09022015). Collection method: clinical testing. Allele origin: germline.
Comment: This sequence change affects a donor splice site in intron 3 of the GALNS gene. It is expected to disrupt RNA splicing. Variants that disrupt the donor or acceptor splice site typically lead to a loss of protein function (PMID: 16199547), and loss-of-function variants in GALNS are known to be pathogenic (PMID: 12442278). This variant is not present in population databases (gnomAD no frequency). Disruption of this splice site has been observed in individuals with mucopolysaccharidosis type IVA (PMID: 34387910; internal data). ClinVar contains an entry for this variant (Variation ID: 1048188). Algorithms developed to predict the effect of sequence changes on RNA splicing suggest that this variant may disrupt the consensus splice site. For these reasons, this variant has been classified as Pathogenic.

Fulgent Genetics
Classification: Likely pathogenic for Mucopolysaccharidosis, MPS-IV-A. Last evaluated: 2021-10-19. Review status: criteria provided, single submitter. Criteria: ACMG Guidelines, 2015. Collection method: clinical testing. Allele origin: unknown.

Laboratory of Diagnosis and Therapy of Lysosomal Disorders, University of Padova
Classification: Likely pathogenic for Mucopolysaccharidosis, MPS-IV-A. Last evaluated: 2021-02-01. Review status: criteria provided, single submitter. Criteria: ACMG Guidelines, 2015. Collection method: curation. Allele origin: germline. Affected: yes.
Comment: Splicing variant in canonical site (PVS1_very strong); absent from gnomAD v2.1.1 (PM2_moderate)

Literature cited by the submitters: PubMed 16199547 (cited by Labcorp Genetics (formerly Invitae), Labcorp); PubMed 12442278 (cited by Labcorp Genetics (formerly Invitae), Labcorp); PubMed 34387910 (cited by Labcorp Genetics (formerly Invitae), Labcorp and Laboratory of Diagnosis and Therapy of Lysosomal Disorders, University of Padova).

NM_000512.5(GALNS):c.319+2T>C

Gene: GALNS (galactosamine (N-acetyl)-6-sulfatase; minus strand). Cytogenetic location: 16q24.3.
Variant type: single nucleotide variant.
Coding change: c.319+2T>C on transcript NM_000512.5 (MANE Select); the canonical splice donor site of the intron after coding-DNA position 319, T replaced by C.
Molecular consequence: splice donor variant.
Genome position (GRCh38, 1-based): chr16:88,841,895, A>G on the plus strand (T>C on the coding strand, the complement: GALNS is on the minus strand). VCF-style: chr16-88841895-A-G. GRCh37 (hg19) VCF-style: chr16-88908303-A-G.
Other names: c.-237+2T>C (NM_001323543.2); c.337+2T>C (NM_001323544.2).
Identifiers: ClinVar variation 1048188 (VCV001048188.9), dbSNP rs2143005067, ClinGen allele CA397088832.